The following is an entry in ClinVar:

NM_000632.4(ITGAM):c.182G>A (p.Gly61Asp)

Genes: ITGAM (integrin subunit alpha M; plus strand), LOC126862331 (P300/CBP strongly-dependent group 1 enhancer GRCh37_chr16:31276375-31277574; plus strand). Cytogenetic location: 16p11.2.
Variant type: single nucleotide variant.
Coding change: c.182G>A on transcript NM_000632.4 (MANE Select); coding-DNA position 182, G replaced by A.
Protein change: p.Gly61Asp; replaces glycine 61 with aspartic acid.
Molecular consequence: missense variant.
Genome position (GRCh38, 1-based): chr16:31,265,442, G>A. VCF-style: chr16-31265442-G-A. GRCh37 (hg19) VCF-style: chr16-31276763-G-A.
Other names: c.182G>A, p.Gly61Asp (NM_001145808.2); short protein forms G61D.
Identifiers: ClinVar variation 1434435 (VCV001434435.8), dbSNP rs775590378, ClinGen allele CA395682845.

ClinVar aggregate classification (germline): Uncertain significance (1 of 4 stars; one submission).

Submission:

Labcorp Genetics (formerly Invitae), Labcorp
Classification: Uncertain significance. Last evaluated: 2025-05-27. Review status: criteria provided, single submitter. Criteria: Invitae Variant Classification Sherloc (09022015). Collection method: clinical testing. Allele origin: germline.
Comment: This sequence change replaces glycine, which is neutral and non-polar, with aspartic acid, which is acidic and polar, at codon 61 of the ITGAM protein (p.Gly61Asp). This variant is not present in population databases (gnomAD no frequency). This variant has not been reported in the literature in individuals affected with ITGAM-related conditions. ClinVar contains an entry for this variant (Variation ID: 1434435). An algorithm developed to predict the effect of missense changes on protein structure and function (PolyPhen-2) suggests that this variant is likely to be disruptive. In summary, the available evidence is currently insufficient to determine the role of this variant in disease. Therefore, it has been classified as a Variant of Uncertain Significance.